The following is an entry in ClinVar:

ClinVar aggregate classification (germline): Pathogenic (1 of 4 stars; one submission).

Conditions:
Leukocyte adhesion deficiency 3. Also called: Leukocyte adhesion deficiency, type III; INTEGRIN ACTIVATION DEFICIENCY DISEASE; LEUKOCYTE ADHESION DEFICIENCY 1 VARIANT. Identifiers: Orphanet 2968, Orphanet 99844, MedGen C2748536, MONDO:0013016, OMIM 612840.

Submission:

Labcorp Genetics (formerly Invitae), Labcorp
Classification: Pathogenic for Leukocyte adhesion deficiency 3. Last evaluated: 2026-01-06. Review status: criteria provided, single submitter. Criteria: Invitae Variant Classification Sherloc (09022015). Collection method: clinical testing. Allele origin: germline.
Comment: This sequence change creates a premature translational stop signal (p.His488Thrfs*87) in the FERMT3 gene. It is expected to result in an absent or disrupted protein product. Loss-of-function variants in FERMT3 are known to be pathogenic (PMID: 19064721, 19234463, 22134107). This variant is not present in population databases (gnomAD no frequency). This variant has not been reported in the literature in individuals affected with FERMT3-related conditions. For these reasons, this variant has been classified as Pathogenic.

Literature cited by the submitters: PubMed 19064721; PubMed 19234463; PubMed 22134107.

NM_031471.6(FERMT3):c.1462del (p.His488fs)

Gene: FERMT3 (FERM domain containing kindlin 3; plus strand). Cytogenetic location: 11q13.1.
Variant type: Deletion.
Coding change: c.1462del on transcript NM_031471.6 (MANE Select); coding-DNA position 1462, one base deleted (C; older notation c.1462delC).
Protein change: p.His488fs; shifts the reading frame from histidine 488.
Molecular consequence: frameshift variant.
Genome position (GRCh38, 1-based): chr11:64,220,586, C deleted; the last of 5 consecutive C bases (chr11:64,220,582-64,220,586); deleting any one gives the same sequence. VCF-style (leftmost placement, unchanged base first): chr11-64220581-AC-A. GRCh37 (hg19) VCF-style: chr11-63988053-AC-A.
Other names: c.1462del, p.His488fs (NM_001382361.1, NM_001382448.1); c.1474del, p.His492fs (NM_001382362.1, NM_178443.3); c.922del, p.His308fs (NM_001382363.1); c.934del, p.His312fs (NM_001382364.1); short protein forms H308fs, H312fs, H492fs, H488fs.
Identifiers: ClinVar variation 4707843 (VCV004707843.1).
Genomic context (GRCh38, chr11:64,220,581, plus strand): 5'-TGCAGGCCATCCTGGCCTTCCTCAGCCTGCAGCGCACGGGCAGTGGGGGCCCGGGCAACC[AC>A]CCCCACGGCCCTGATGCCTCTGCCGAGGGCCTCAACCCCTACGGCCTCGTTGCCCCCCGT-3'